The following is an entry in ClinVar:

ClinVar aggregate classification (germline): Likely benign (0 of 4 stars; one submission).

Conditions:
NRP2-related disorder. Also called: NRP2-related condition.

Allele frequency attached by ClinVar (database versions not stated): gnomAD exomes 0.00004; ExAC 0.00007; ESP Exome Variant Server 0.00008; 1000 Genomes Project 30x 0.00016; 1000 Genomes Project 0.00020; gnomAD 0.00026; TOPMed 0.00028.
gnomAD v4.1: 98 of 1,614,220 alleles (0.0061%); highest among the groups gnomAD compares: African/African-American, 0.087%; no homozygotes.

Submission:

PreventionGenetics, part of Exact Sciences
Classification: Likely benign for NRP2-related condition. Last evaluated: 2021-10-04. Review status: no assertion criteria provided. Collection method: clinical testing. Allele origin: germline.
Comment: This variant is classified as likely benign based on ACMG/AMP sequence variant interpretation guidelines (Richards et al. 2015 PMID: 25741868, with internal and published modifications).

NM_003872.3(NRP2):c.1147-9A>G

Gene: NRP2 (neuropilin 2; plus strand). Cytogenetic location: 2q33.3.
Variant type: single nucleotide variant.
Coding change: c.1147-9A>G on transcript NM_003872.3 (MANE Select); 9 bases into the intron before coding-DNA position 1147, A replaced by G.
Molecular consequence: intron variant.
Genome position (GRCh38, 1-based): chr2:205,740,510, A>G. VCF-style: chr2-205740510-A-G. GRCh37 (hg19) VCF-style: chr2-206605234-A-G.
Other names: c.1147-9A>G (NM_201266.2, NM_201279.2, NM_018534.4 and 2 more transcripts).
Identifiers: ClinVar variation 3043553 (VCV003043553.2), dbSNP rs139742739, ClinGen allele CA2069032.